The following is an entry in ClinVar:

NM_014365.3(HSPB8):c.374A>G (p.His125Arg)

Gene: HSPB8 (heat shock protein family B (small) member 8; plus strand). Cytogenetic location: 12q24.23.
Variant type: single nucleotide variant.
Coding change: c.374A>G on transcript NM_014365.3 (MANE Select); coding-DNA position 374, A replaced by G.
Protein change: p.His125Arg; replaces histidine 125 with arginine.
Molecular consequence: missense variant.
Genome position (GRCh38, 1-based): chr12:119,187,031, A>G. VCF-style: chr12-119187031-A-G. GRCh37 (hg19) VCF-style: chr12-119624836-A-G.
Other names: c.374A>G (NM_014365.2); short protein forms H125R.
Identifiers: ClinVar variation 1498635 (VCV001498635.9), dbSNP rs138733926, ClinGen allele CA244339916.
Genomic context (GRCh38, chr12:119,187,031, plus strand): 5'-GAAGGATGCCCAAGGAACATAGATGCTGACACGCCACACTTTTCTTCCTTCCAGGCAAAC[A>G]TGAAGAGAAACAGCAAGAAGGTGGCATTGTTTCTAAGAACTTCACAAAGAAAATCCAGTA-3'
Protein context (NP_055180.1, residues 115-135): KDGYVEVSGK[His125Arg]EEKQQEGGIV

ClinVar aggregate classification (germline): Uncertain significance. Review status: criteria provided, multiple submitters, no conflicts (2 of 4 stars). 2 submissions from 2 submitters: Uncertain significance (2). Last evaluated 2026-01-13.

Conditions:
HSPB8-related disorder. Also called: HSPB8-related condition.
Charcot-Marie-Tooth disease axonal type 2L. Also called: Charcot-Marie-Tooth Neuropathy Type 2L; CHARCOT-MARIE-TOOTH DISEASE, AXONAL, AUTOSOMAL DOMINANT, TYPE 2L; CHARCOT-MARIE-TOOTH NEUROPATHY, AXONAL, TYPE 2L. Identifiers: Orphanet 99945, MedGen C1837552, MONDO:0012096, OMIM 608673.

Allele frequency attached by ClinVar (database versions not stated): gnomAD exomes below 0.00001; TOPMed 0.00001; ESP Exome Variant Server 0.00008.

Submissions (2):

Labcorp Genetics (formerly Invitae), Labcorp
Classification: Uncertain significance for Charcot-Marie-Tooth disease axonal type 2L. Last evaluated: 2026-01-13. Review status: criteria provided, single submitter. Criteria: Invitae Variant Classification Sherloc (09022015). Collection method: clinical testing. Allele origin: germline.
Comment: This sequence change replaces histidine, which is basic and polar, with arginine, which is basic and polar, at codon 125 of the HSPB8 protein (p.His125Arg). This variant is not present in population databases (gnomAD no frequency). This variant has not been reported in the literature in individuals affected with HSPB8-related conditions. ClinVar contains an entry for this variant (Variation ID: 1498635). An algorithm developed to predict the effect of missense changes on protein structure and function (PolyPhen-2) suggests that this variant is likely to be disruptive. In summary, the available evidence is currently insufficient to determine the role of this variant in disease. Therefore, it has been classified as a Variant of Uncertain Significance.

PreventionGenetics, part of Exact Sciences
Classification: Uncertain significance for HSPB8-related condition. Last evaluated: 2025-10-02. Review status: criteria provided, single submitter. Criteria: ACMG Guidelines, 2015. Collection method: clinical testing. Allele origin: germline.
Comment: The HSPB8 c.374A>G variant is predicted to result in the amino acid substitution p.His125Arg. To our knowledge, this variant has not been reported in the literature. This variant is reported in 0.00088% of alleles in individuals of European (Non-Finnish) descent in gnomAD. At this time, the clinical significance of this variant is uncertain due to the absence of conclusive functional and genetic evidence.